The following is an entry in ClinVar:

NM_002691.4(POLD1):c.3219C>T (p.Ser1073=)

Gene: POLD1 (DNA polymerase delta 1, catalytic subunit; plus strand). Cytogenetic location: 19q13.33.
Variant type: single nucleotide variant.
Coding change: c.3219C>T on transcript NM_002691.4 (MANE Select); coding-DNA position 3219, C replaced by T.
Protein change: p.Ser1073=; no amino-acid change (serine 1073 retained).
Molecular consequence: synonymous variant. On other transcripts: non-coding transcript variant (1).
Genome position (GRCh38, 1-based): chr19:50,417,842, C>T. VCF-style: chr19-50417842-C-T. GRCh37 (hg19) VCF-style: chr19-50921099-C-T.
Other names: c.3219C>T, p.Ser1073= (NM_001256849.1); c.3297C>T, p.Ser1099= (NM_001308632.1).
Identifiers: ClinVar variation 1423858 (VCV001423858.8), dbSNP rs2122521078, ClinGen allele CA508186702.

ClinVar aggregate classification (germline): Uncertain significance (1 of 4 stars; one submission).

Conditions:
POLD1-related polyposis and colorectal cancer syndrome (CRCS10). Also called: Colorectal cancer 10; COLORECTAL CANCER, SUSCEPTIBILITY TO, ON CHROMOSOME 19q; Colorectal cancer, susceptibility to, 10. Identifiers: Orphanet 220460, MedGen C2675481, MONDO:0012953, OMIM 612591.

Submission:

Labcorp Genetics (formerly Invitae), Labcorp
Classification: Uncertain significance for POLD1-related polyposis and colorectal cancer syndrome. Last evaluated: 2020-11-17. Review status: criteria provided, single submitter. Criteria: Invitae Variant Classification Sherloc (09022015). Collection method: clinical testing. Allele origin: germline.
Comment: Algorithms developed to predict the effect of sequence changes on RNA splicing suggest that this variant is not likely to affect RNA splicing, but this prediction has not been confirmed by published transcriptional studies. This sequence change affects codon 1073 of the POLD1 mRNA. It is a 'silent' change, meaning that it does not change the encoded amino acid sequence of the POLD1 protein. This variant is not present in population databases (ExAC no frequency). This variant has not been reported in the literature in individuals with POLD1-related conditions. In summary, the available evidence is currently insufficient to determine the role of this variant in disease. Therefore, it has been classified as a Variant of Uncertain Significance.